The following is an entry in ClinVar:

NM_017780.4(CHD7):c.2129del (p.Ala709_Leu710insTer)

Gene: CHD7 (chromodomain helicase DNA binding protein 7; plus strand). Cytogenetic location: 8q12.2.
Variant type: Deletion.
Coding change: c.2129del on transcript NM_017780.4 (MANE Select); coding-DNA position 2129, one base deleted (T; older notation c.2129delT).
Protein change: p.Ala709_Leu710insTer.
Molecular consequence: nonsense. On other transcripts: intron variant (1).
Genome position (GRCh38, 1-based): chr8:60,795,018, T deleted; the last of 3 consecutive T bases (chr8:60,795,016-60,795,018); deleting any one gives the same sequence. VCF-style (leftmost placement, unchanged base first): chr8-60795015-CT-C. GRCh37 (hg19) VCF-style: chr8-61707574-CT-C.
Other names: c.1716+13968del (NM_001316690.1).
Identifiers: ClinVar variation 1426225 (VCV001426225.6), dbSNP rs2150697555, ClinGen allele CA2573143295.

ClinVar aggregate classification (germline): Pathogenic (1 of 4 stars; one submission).

Conditions:
CHARGE syndrome (CHARGE). Also called: Coloboma, heart anomaly, choanal atresia, retardation, genital and ear anomalies; CHARGE association; Hall-Hittner syndrome; Hittner Hirsch Kreh syndrome; CHARGE ASSOCIATION--COLOBOMA, HEART ANOMALY, CHOANAL ATRESIA, RETARDATION, GENITAL AND EAR ANOMALIES. Identifiers: Orphanet 138, MedGen C0265354, MONDO:0008965.

Submission:

Labcorp Genetics (formerly Invitae), Labcorp
Classification: Pathogenic for CHARGE syndrome. Last evaluated: 2021-04-05. Review status: criteria provided, single submitter. Criteria: Invitae Variant Classification Sherloc (09022015). Collection method: clinical testing. Allele origin: germline.
Comment: This variant is not present in population databases (ExAC no frequency). For these reasons, this variant has been classified as Pathogenic. This variant has not been reported in the literature in individuals with CHD7-related conditions. This sequence change creates a premature translational stop signal (p.Leu710*) in the CHD7 gene. It is expected to result in an absent or disrupted protein product. Loss-of-function variants in CHD7 are known to be pathogenic (PMID: 22461308, 25077900).

Literature cited by the submitters: PubMed 22461308; PubMed 25077900.